The following is an entry in ClinVar:

NM_001374736.1(DST):c.13361T>C (p.Leu4454Ser)

Gene: DST (dystonin; minus strand). Cytogenetic location: 6p12.1.
Variant type: single nucleotide variant.
Coding change: c.13361T>C on transcript NM_001374736.1 (MANE Select); coding-DNA position 13361, T replaced by C.
Protein change: p.Leu4454Ser; replaces leucine 4454 with serine.
Molecular consequence: missense variant.
Genome position (GRCh38, 1-based): chr6:56,572,940, A>G on the plus strand (T>C on the coding strand, the complement: DST is on the minus strand). VCF-style: chr6-56572940-A-G. GRCh37 (hg19) VCF-style: chr6-56437738-A-G.
Other names: p.Leu1831Ser; c.7004T>C, p.Leu2335Ser (NM_001144769.5); c.6590T>C, p.Leu2197Ser (NM_001144770.2); c.13361T>C, p.Leu4454Ser (NM_001374722.1); c.12728T>C, p.Leu4243Ser (NM_001374729.1); c.6470T>C, p.Leu2157Ser (NM_001374730.1, NM_001386100.1, NM_183380.4); c.13388T>C, p.Leu4463Ser (NM_001374734.1); c.5492T>C, p.Leu1831Ser (NM_015548.5); short protein forms L1831S, L2197S, L2335S, L2157S, L4463S, L4243S, L4454S.
Identifiers: ClinVar variation 489326 (VCV000489326.19), dbSNP rs201758531, ClinGen allele CA3868229.
Genomic context (GRCh38, chr6:56,572,940, plus strand): 5'-TCCTCCATTTTGGCAAGAGTTTCTTTGTGTTTATGACTTGCTTCTGAAAACCGAGCAGAC[A>G]AGTCTTTCATTTTGGCTTGCAGTGAGGATGCAGTGGATGGATCTGTTGTTTCCATAAATT-3'
Protein context (NP_001361665.1, residues 4444-4464): ASSLQAKMKD[Leu4454Ser]SARFSEASHK

ClinVar aggregate classification (germline): Conflicting classifications of pathogenicity. Review status: criteria provided, conflicting classifications (1 of 4 stars). 6 submissions from 6 submitters: Uncertain significance (3); Likely benign (2). 1 of the submissions does not count toward it. Last evaluated 2026-08-01.

Conditions:
Inborn genetic diseases. Identifiers: MedGen C0950123, MeSH D030342.
DST-related disorder. Also called: DST-related condition; DST-related disorders.
Hereditary sensory and autonomic neuropathy type 6. Also called: HSAN VI; Neuropathy, hereditary sensory and autonomic, type VI. Identifiers: Orphanet 314381, MedGen C3539003, MONDO:0013839, OMIM 614653.
Epidermolysis bullosa simplex 3, localized or generalized intermediate, with BP230 deficiency (EBS3). Also called: Epidermolysis bullosa simplex, autosomal recessive 2; Epidermolysis bullosa simplex due to BP230 deficiency. Identifiers: Orphanet 412181, MedGen C3809470, MONDO:0014180, OMIM 615425.

Allele frequency attached by ClinVar (database versions not stated): gnomAD exomes 0.00029 and 0.00016; 1000 Genomes Project 0.00040; TOPMed 0.00015; gnomAD 0.00014 and 0.00015; ESP Exome Variant Server 0.00025; ExAC 0.00030; 1000 Genomes Project 30x 0.00047.
gnomAD v4.1: 279 of 1,613,168 alleles (0.017%); highest among the groups gnomAD compares: Middle Eastern, 0.082%; no homozygotes.

Submissions (6):

CeGaT Center for Human Genetics Tuebingen
Classification: Uncertain significance. Last evaluated: 2026-08-01. Review status: criteria provided, single submitter. Criteria: CeGaT Center For Human Genetics Tuebingen Variant Classification Criteria Version 2. Collection method: clinical testing. Allele origin: germline. Affected: yes. Observed: 1 variant allele.
Comment: DST: PM2

Labcorp Genetics (formerly Invitae), Labcorp
Classification: Likely benign for Epidermolysis bullosa simplex 3, localized or generalized intermediate, with BP230 deficiency; Hereditary sensory and autonomic neuropathy type 6. Last evaluated: 2026-02-01. Review status: criteria provided, single submitter. Criteria: Invitae Variant Classification Sherloc (09022015). Collection method: clinical testing. Allele origin: germline.

Mayo Clinic Laboratories, Mayo Clinic
Classification: Uncertain significance. Last evaluated: 2025-10-02. Review status: criteria provided, single submitter. Criteria: ACMG Guidelines, 2015. Collection method: clinical testing. Allele origin: germline. Observed: 1 variant allele.
Comment: BS1

GeneDx
Classification: Uncertain significance. Last evaluated: 2025-03-10. Review status: criteria provided, single submitter. Criteria: GeneDx Variant Classification Process June 2021. Collection method: clinical testing. Allele origin: germline. Affected: yes.
Comment: Has not been previously published as pathogenic or benign to our knowledge; In silico analysis supports that this missense variant has a deleterious effect on protein structure/function; Reported using an alternate transcript (non-epithelial isoform) of the gene.

Ambry Genetics
Classification: Likely benign for Inborn genetic diseases. Last evaluated: 2022-05-26. Review status: criteria provided, single submitter. Criteria: Ambry Variant Classification Scheme 2023. Collection method: clinical testing. Allele origin: germline.

PreventionGenetics, part of Exact Sciences
Classification: Likely benign for DST-related condition. Last evaluated: 2023-08-16. Review status: no assertion criteria provided. Collection method: clinical testing. Allele origin: germline. Not counted in ClinVar's aggregate classification.
Comment: This variant is classified as likely benign based on ACMG/AMP sequence variant interpretation guidelines (Richards et al. 2015 PMID: 25741868, with internal and published modifications).